The following is an entry in ClinVar:

ClinVar aggregate classification (germline): Pathogenic/Likely pathogenic. Review status: criteria provided, multiple submitters, no conflicts (2 of 4 stars). 4 submissions from 4 submitters: Pathogenic (2); Likely pathogenic (2). Last evaluated 2024-05-02.

Conditions:
PDE6C-related disorder. Also called: PDE6C-related condition.
Cone dystrophy 4 (COD4). Identifiers: Orphanet 49382, MedGen C2751308, MONDO:0013129, OMIM 613093.

Allele frequency attached by ClinVar (database versions not stated): TOPMed below 0.00001; ExAC 0.00001; gnomAD exomes 0.00001.
gnomAD v4.1: 7 of 1,613,208 alleles (0.00043%); highest among the groups gnomAD compares: East Asian, 0.0045%; no homozygotes.

Submissions (4):

Blueprint Genetics
Classification: Likely pathogenic for PDE6C-related disorders. Last evaluated: 2024-05-02. Review status: criteria provided, single submitter. Criteria: ACMG Guidelines, 2015. Collection method: clinical testing. Allele origin: germline. Affected: yes. Observed: 2 variant alleles.

3billion
Classification: Pathogenic for Cone dystrophy 4. Last evaluated: 2022-05-22. Review status: criteria provided, single submitter. Criteria: ACMG Guidelines, 2015. Collection method: clinical testing. Allele origin: germline. Affected: yes. Observed: 1 homozygote.
Comment: The variant is observed at an extremely low frequency in the gnomAD v2.1.1 dataset (total allele frequency: <0.001%). Stop-gained (nonsense): predicted to result in a loss or disruption of normal protein function through nonsense-mediated decay (NMD) or protein truncation. Multiple pathogenic variants are reported downstream of the variant. The variant has been reported to be associated with PDE6C related disorder (ClinVar ID: VCV000191009 / PMID: 27124789). Therefore, this variant is classified as pathogenic according to the recommendation of ACMG/AMP guideline.

Labcorp Genetics (formerly Invitae), Labcorp
Classification: Pathogenic. Last evaluated: 2022-03-09. Review status: criteria provided, single submitter. Criteria: Invitae Variant Classification Sherloc (09022015). Collection method: clinical testing. Allele origin: germline.
Comment: For these reasons, this variant has been classified as Pathogenic. ClinVar contains an entry for this variant (Variation ID: 191009). This premature translational stop signal has been observed in individual(s) with achromatopsia and/or retinal dystrophy (PMID: 27124789). This variant is present in population databases (rs762426409, gnomAD 0.006%). This sequence change creates a premature translational stop signal (p.Arg238*) in the PDE6C gene. It is expected to result in an absent or disrupted protein product. Loss-of-function variants in PDE6C are known to be pathogenic (PMID: 19887631, 23776498, 26103963, 30080950).

Genomic Medicine Center of Excellence, King Faisal Specialist Hospital and Research Centre
Classification: Likely pathogenic. Review status: criteria provided, single submitter. Criteria: ACMG Guidelines, 2015. Collection method: research. Allele origin: germline. Affected: yes.

Literature cited by the submitters: PubMed 27124789 (cited by 3billion and Labcorp Genetics (formerly Invitae), Labcorp); PubMed 19887631 (cited by Labcorp Genetics (formerly Invitae), Labcorp); PubMed 23776498 (cited by Labcorp Genetics (formerly Invitae), Labcorp); PubMed 26103963 (cited by Labcorp Genetics (formerly Invitae), Labcorp); PubMed 30080950 (cited by Labcorp Genetics (formerly Invitae), Labcorp).

NM_006204.4(PDE6C):c.712C>T (p.Arg238Ter)

Gene: PDE6C (phosphodiesterase 6C; plus strand). Cytogenetic location: 10q23.33.
Variant type: single nucleotide variant.
Coding change: c.712C>T on transcript NM_006204.4 (MANE Select); coding-DNA position 712, C replaced by T.
Protein change: p.Arg238Ter; replaces arginine 238 with a stop codon.
Molecular consequence: nonsense.
Genome position (GRCh38, 1-based): chr10:93,620,969, C>T. VCF-style: chr10-93620969-C-T. GRCh37 (hg19) VCF-style: chr10-95380726-C-T.
Other names: short protein forms R238*.
Identifiers: ClinVar variation 191009 (VCV000191009.10), dbSNP rs762426409, ClinGen allele CA235810.